The following is an entry in ClinVar:

ClinVar aggregate classification (germline): Uncertain significance (1 of 4 stars; one submission).

Conditions:
Hereditary cancer-predisposing syndrome. Also called: Neoplastic Syndromes, Hereditary; Tumor predisposition; Hereditary Cancer Syndrome; Hereditary neoplastic syndrome. Identifiers: Orphanet 140162, MedGen C0027672, MeSH D009386, MONDO:0015356.

Submission:

Ambry Genetics
Classification: Uncertain significance for Hereditary cancer-predisposing syndrome. Last evaluated: 2020-01-09. Review status: criteria provided, single submitter. Criteria: Ambry Variant Classification Scheme 2023. Collection method: clinical testing. Allele origin: germline.
Comment: The p.Q73E variant (also known as c.217C>G), located in coding exon 2 of the BRCA2 gene, results from a C to G substitution at nucleotide position 217. The glutamine at codon 73 is replaced by glutamic acid, an amino acid with highly similar properties. This amino acid position is not well conserved in available vertebrate species. In addition, this alteration is predicted to be tolerated by in silico analysis. Since supporting evidence is limited at this time, the clinical significance of this alteration remains unclear.

NM_000059.4(BRCA2):c.217C>G (p.Gln73Glu)

Gene: BRCA2 (BRCA2 DNA repair associated; plus strand). Cytogenetic location: 13q13.1.
Variant type: single nucleotide variant.
Coding change: c.217C>G on transcript NM_000059.4 (MANE Select); coding-DNA position 217, C replaced by G.
Protein change: p.Gln73Glu; replaces glutamine 73 with glutamic acid.
Molecular consequence: missense variant.
Genome position (GRCh38, 1-based): chr13:32,319,226, C>G. VCF-style: chr13-32319226-C-G. GRCh37 (hg19) VCF-style: chr13-32893363-C-G.
Other names: c.217C>G, p.Gln73Glu (NM_001406719.1, NM_001406720.1, NM_001406721.1); c.-153C>G (NM_001406722.1); short protein forms Q73E.
Identifiers: ClinVar variation 1787237 (VCV001787237.2), dbSNP rs398122741, ClinGen allele CA387754450.
Genomic context (GRCh38, chr13:32,319,226, plus strand): 5'-AAAAACAACAATTACGAACCAAACCTATTTAAAACTCCACAAAGGAAACCATCTTATAAT[C>G]AGCTGGCTTCAACTCCAATAATATTCAAAGAGCAAGGGCTGACTCTGCCGCTGTACCAAT-3'
Protein context (NP_000050.3, residues 63-83): KTPQRKPSYN[Gln73Glu]LASTPIIFKE